The following is an entry in ClinVar:

NM_181882.3(PRX):c.1491C>G (p.Pro497=)

Gene: PRX (periaxin; minus strand). Cytogenetic location: 19q13.2.
Variant type: single nucleotide variant.
Coding change: c.1491C>G on transcript NM_181882.3 (MANE Select); coding-DNA position 1491, C replaced by G.
Protein change: p.Pro497=; no amino-acid change (proline 497 retained).
Molecular consequence: synonymous variant. On other transcripts: 3 prime UTR variant (1).
Genome position (GRCh38, 1-based): chr19:40,396,861, G>C on the plus strand (C>G on the coding strand, the complement: PRX is on the minus strand). VCF-style: chr19-40396861-G-C. GRCh37 (hg19) VCF-style: chr19-40902768-G-C.
Other names: c.*1696C>G (NM_020956.2).
Identifiers: ClinVar variation 697308 (VCV000697308.19), dbSNP rs1224453835, ClinGen allele CA507679711.

ClinVar aggregate classification (germline): Benign/Likely benign. Review status: criteria provided, multiple submitters, no conflicts (2 of 4 stars). 4 submissions from 4 submitters: Benign (1); Likely benign (3). Last evaluated 2026-04-01.

Conditions:
Charcot-Marie-Tooth disease. Also called: Charcot-Marie-Tooth Neuropathy; Charcot-Marie-Tooth Hereditary Neuropathy. Identifiers: Orphanet 166, MedGen C0007959, MONDO:0015626.
Charcot-Marie-Tooth disease type 4. Also called: Charcot-Marie-Tooth disease, type IV; Charcot-Marie-Tooth, Type 4. Identifiers: Orphanet 64749, MedGen C4082197, MONDO:0018995.

Allele frequency attached by ClinVar (database versions not stated): 1000 Genomes Project 30x 0.00016.

Submissions (4):

CeGaT Center for Human Genetics Tuebingen
Classification: Likely benign. Last evaluated: 2026-04-01. Review status: criteria provided, single submitter. Criteria: CeGaT Center For Human Genetics Tuebingen Variant Classification Criteria Version 2. Collection method: clinical testing. Allele origin: germline. Affected: yes. Observed: 2 variant alleles.
Comment: PRX: BP4, BP7

Labcorp Genetics (formerly Invitae), Labcorp
Classification: Likely benign for Charcot-Marie-Tooth disease type 4. Last evaluated: 2025-10-22. Review status: criteria provided, single submitter. Criteria: Invitae Variant Classification Sherloc (09022015). Collection method: clinical testing. Allele origin: germline.

Laboratory of Genetics, Children's Clinical University Hospital Latvia
Classification: Benign. Last evaluated: 2025-02-16. Review status: criteria provided, single submitter. Criteria: ACMG Guidelines, 2015. Collection method: clinical testing. Allele origin: germline. Affected: yes.

Molecular Genetics Laboratory, London Health Sciences Centre
Classification: Likely benign for Charcot-Marie-Tooth disease. Review status: criteria provided, single submitter. Criteria: ACMG Guidelines, 2015. Collection method: clinical testing. Allele origin: germline. Affected: yes.